The following is an entry in ClinVar:

ClinVar aggregate classification (germline): Pathogenic (1 of 4 stars; one submission).

Conditions:
Familial thoracic aortic aneurysm and aortic dissection (TAAD). Also called: Thoracic aortic aneurysms and dissections. Identifiers: Orphanet 91387, MedGen C4707243, MONDO:0019625.

Submission:

Labcorp Genetics (formerly Invitae), Labcorp
Classification: Pathogenic for Familial thoracic aortic aneurysm and aortic dissection. Last evaluated: 2022-07-26. Review status: criteria provided, single submitter. Criteria: Invitae Variant Classification Sherloc (09022015). Collection method: clinical testing. Allele origin: germline.
Comment: This sequence change creates a premature translational stop signal (p.His249Thrfs*7) in the SMAD3 gene. It is expected to result in an absent or disrupted protein product. Loss-of-function variants in SMAD3 are known to be pathogenic (PMID: 21778426, 24804794). This variant is not present in population databases (gnomAD no frequency). This variant has not been reported in the literature in individuals affected with SMAD3-related conditions. ClinVar contains an entry for this variant (Variation ID: 1384214). For these reasons, this variant has been classified as Pathogenic.

Literature cited by the submitters: PubMed 21778426; PubMed 24804794.

NM_005902.4(SMAD3):c.745del (p.His249fs)

Gene: SMAD3 (SMAD family member 3; plus strand). Cytogenetic location: 15q22.33.
Variant type: Deletion.
Coding change: c.745del on transcript NM_005902.4 (MANE Select); coding-DNA position 745, one base deleted (C; older notation c.745delC).
Protein change: p.His249fs; shifts the reading frame from histidine 249.
Molecular consequence: frameshift variant.
Genome position (GRCh38, 1-based): chr15:67,181,327, C deleted; the last of 2 consecutive C bases (chr15:67,181,326-67,181,327); deleting either gives the same sequence. VCF-style (leftmost placement, unchanged base first): chr15-67181325-TC-T. GRCh37 (hg19) VCF-style: chr15-67473663-TC-T.
Other names: c.430del, p.His144fs (NM_001145102.2); c.613del, p.His205fs (NM_001145103.2); c.160del, p.His54fs (NM_001145104.2); short protein forms H144fs, H249fs, H205fs, H54fs.
Identifiers: ClinVar variation 1384214 (VCV001384214.6), dbSNP rs2140314073, ClinGen allele CA2573151101.
Genomic context (GRCh38, chr15:67,181,325, plus strand): 5'-AGCCGGCCTTCTGGTGCTCCATCTCCTACTACGAGCTGAACCAGCGCGTCGGGGAGACAT[TC>T]CACGCCTCGCAGCCATCCATGACTGTGGATGGCTTCACCGACCCCTCCAATTCGGAGCGC-3'